The following is an entry in ClinVar:

ClinVar aggregate classification (germline): Uncertain significance. Review status: criteria provided, multiple submitters, no conflicts (2 of 4 stars). 14 submissions from 12 submitters: Uncertain significance (11). 3 of the submissions do not count toward it. Last evaluated 2025-12-04.

Conditions:
Inborn genetic diseases. Identifiers: MedGen C0950123, MeSH D030342.
Amyotrophic lateral sclerosis type 5 (ALS5). Also called: AMYOTROPHIC LATERAL SCLEROSIS 5, JUVENILE. Identifiers: Orphanet 300605, MedGen C1865864, MONDO:0011196, OMIM 602099.
Charcot-Marie-Tooth disease axonal type 2X. Also called: CHARCOT-MARIE-TOOTH DISEASE, AXONAL, AUTOSOMAL RECESSIVE, TYPE 2X; CHARCOT-MARIE-TOOTH NEUROPATHY, TYPE 2X. Identifiers: Orphanet 466775, MedGen C5569024, MONDO:0014726, OMIM 616668.
Hereditary spastic paraplegia. Also called: Familial spastic paraparesis. Identifiers: Orphanet 685, MedGen C0037773, MONDO:0019064. Disease mechanism: loss of function.
Hereditary spastic paraplegia 11. Also called: SPASTIC PARAPLEGIA, AUTOSOMAL RECESSIVE, COMPLICATED, WITH THIN CORPUS CALLOSUM; SPASTIC PARAPLEGIA, AUTOSOMAL RECESSIVE, WITH MENTAL IMPAIRMENT AND THIN CORPUS CALLOSUM; Nakamura Osame syndrome; Autosomal recessive hereditary spastic paraplegia, mental impairment, and thin corpus callosum; Spastic Paraplegia 11; Spastic paraplegia, mental retardation and thin corpus callosum. Identifiers: Orphanet 2822, MedGen C1858479, MONDO:0011445, OMIM 604360.

Allele frequency attached by ClinVar (database versions not stated): ExAC 0.00008; gnomAD exomes 0.00013 and 0.00018; TOPMed 0.00013; gnomAD 0.00014 and 0.00015; 1000 Genomes Project 30x 0.00016; ESP Exome Variant Server 0.00016; 1000 Genomes Project 0.00020.
gnomAD v4.1: 266 of 1,547,918 alleles (0.017%); highest among the groups gnomAD compares: Non-Finnish European, 0.022%; no homozygotes.

Submissions (14):

GeneDx
Classification: Uncertain significance. Last evaluated: 2025-12-04. Review status: criteria provided, single submitter. Criteria: GeneDx Variant Classification Process June 2021. Collection method: clinical testing. Allele origin: germline. Affected: yes.
Comment: Reported previously in the heterozygous state as a variant of uncertain significance in an individual with ALS; segregation not performed (PMID: 33589474); In silico analysis supports that this missense variant has a deleterious effect on protein structure/function; This variant is associated with the following publications: (PMID: 33589474, 40225153)

Labcorp Genetics (formerly Invitae), Labcorp
Classification: Uncertain significance for Hereditary spastic paraplegia 11. Last evaluated: 2024-11-11. Review status: criteria provided, single submitter. Criteria: Invitae Variant Classification Sherloc (09022015). Collection method: clinical testing. Allele origin: germline.
Comment: This sequence change replaces valine, which is neutral and non-polar, with glycine, which is neutral and non-polar, at codon 773 of the SPG11 protein (p.Val773Gly). This variant is present in population databases (rs182080501, gnomAD 0.02%). This missense change has been observed in individual(s) with amyotrophic lateral sclerosis (PMID: 33589474). ClinVar contains an entry for this variant (Variation ID: 212292). An algorithm developed to predict the effect of missense changes on protein structure and function (PolyPhen-2) suggests that this variant is likely to be disruptive. In summary, the available evidence is currently insufficient to determine the role of this variant in disease. Therefore, it has been classified as a Variant of Uncertain Significance.

Blueprint Genetics
Classification: Uncertain significance. Last evaluated: 2024-11-07. Review status: criteria provided, single submitter. Criteria: ACMG Guidelines, 2015. Collection method: clinical testing. Allele origin: germline.

Ambry Genetics
Classification: Uncertain significance for Inborn genetic diseases. Last evaluated: 2023-04-11. Review status: criteria provided, single submitter. Criteria: Ambry Variant Classification Scheme 2023. Collection method: clinical testing. Allele origin: germline.

Athena Diagnostics
Classification: Uncertain significance. Last evaluated: 2020-02-13. Review status: criteria provided, single submitter. Criteria: Athena Diagnostics Criteria. Collection method: clinical testing. Allele origin: unknown.

Victorian Clinical Genetics Services, Murdoch Childrens Research Institute
Classification: Uncertain significance for Hereditary spastic paraplegia 11. Last evaluated: 2019-08-28. Review status: criteria provided, single submitter. Criteria: ACMG Guidelines, 2015. Collection method: clinical testing. Allele origin: germline. Inheritance: Autosomal recessive inheritance. Affected: yes.
Comment: A heterozygous missense variant, NM_025137.3(SPG11):c.2318T>G, has been identified in exon 12 of 40 of the SPG11 gene. The variant is predicted to result in a major amino acid change from valine to glycine at position 773 of the protein (NP_079413.3(SPG11):p.(Val773Gly)). The valine residue at this position has high conservation (100 vertebrates, UCSC), but is not located within a well established functional domain. In silico predictions for this variant are consistently pathogenic (Polyphen, SIFT, CADD, Mutation Taster). The variant is present in the gnomAD database at a frequency of 0.01% (34 heterozygotes, 0 homozygotes). The variant has been previously described as a variant of certain significant (ClinVar, MSeqDR database). A different variant in the same codon resulting in a change to leucine has also been reported as a vaiant of uncertain significance (ClinVar, MSeqDR database). Based on the information available at the time of curation, this variant has been classified as a VARIANT of UNCERTAIN SIGNIFICANCE (VUS).

Genome Diagnostics Laboratory, The Hospital for Sick Children
Classification: Uncertain significance for Hereditary spastic paraplegia. Last evaluated: 2019-06-01. Review status: criteria provided, single submitter. Criteria: ACMG Guidelines, 2015. Collection method: clinical testing. Allele origin: germline. Affected: yes.

Genetic Services Laboratory, University of Chicago
Classification: Uncertain significance. Last evaluated: 2015-01-09. Review status: criteria provided, single submitter. Criteria: ACMG Guidelines, 2015. Collection method: clinical testing. Allele origin: germline.

Genome-Nilou Lab
Classification: Uncertain significance for Amyotrophic lateral sclerosis type 5. Review status: criteria provided, single submitter. Criteria: ACMG Guidelines, 2015. Collection method: clinical testing. Allele origin: germline.

Genome-Nilou Lab
Classification: Uncertain significance for Charcot-Marie-Tooth disease axonal type 2X. Review status: criteria provided, single submitter. Criteria: ACMG Guidelines, 2015. Collection method: clinical testing. Allele origin: germline.

Genome-Nilou Lab
Classification: Uncertain significance for Hereditary spastic paraplegia 11. Review status: criteria provided, single submitter. Criteria: ACMG Guidelines, 2015. Collection method: clinical testing. Allele origin: germline.

Clinical Genetics DNA and cytogenetics Diagnostics Lab, Erasmus MC, Erasmus Medical Center
Classification: Uncertain significance. Review status: no assertion criteria provided. Collection method: clinical testing. Allele origin: germline. Affected: yes. Study: VKGL Data-share Consensus. Not counted in ClinVar's aggregate classification.

Clinical Genetics, Academic Medical Center
Classification: Uncertain significance. Review status: no assertion criteria provided. Collection method: clinical testing. Allele origin: germline. Affected: yes. Study: VKGL Data-share Consensus. Not counted in ClinVar's aggregate classification.

Genome Diagnostics Laboratory, Amsterdam University Medical Center
Classification: Uncertain significance. Review status: no assertion criteria provided. Collection method: clinical testing. Allele origin: germline. Affected: yes. Study: VKGL Data-share Consensus. Not counted in ClinVar's aggregate classification.

Literature cited by the submitters: PubMed 33589474 (cited by Labcorp Genetics (formerly Invitae), Labcorp and Ambry Genetics).

NM_025137.4(SPG11):c.2318T>G (p.Val773Gly)

Gene: SPG11 (SPG11 vesicle trafficking associated, spatacsin; minus strand). Cytogenetic location: 15q21.1.
Variant type: single nucleotide variant.
Coding change: c.2318T>G on transcript NM_025137.4 (MANE Select); coding-DNA position 2318, T replaced by G.
Protein change: p.Val773Gly; replaces valine 773 with glycine.
Molecular consequence: missense variant.
Genome position (GRCh38, 1-based): chr15:44,622,346, A>C on the plus strand (T>G on the coding strand, the complement: SPG11 is on the minus strand). VCF-style: chr15-44622346-A-C. GRCh37 (hg19) VCF-style: chr15-44914544-A-C.
Other names: c.2318T>G, p.Val773Gly (NM_001160227.2); short protein forms V773G.
Identifiers: ClinVar variation 212292 (VCV000212292.28), dbSNP rs182080501, ClinGen allele CA206242.